The following is an entry in ClinVar:

NM_000051.4(ATM):c.1817_1818del (p.Leu606fs)

Gene: ATM (ATM serine/threonine kinase; plus strand). Cytogenetic location: 11q22.3.
Variant type: Deletion.
Coding change: c.1817_1818del on transcript NM_000051.4 (MANE Select); coding-DNA positions 1817 to 1818, 2 bases deleted (TT; older notation c.1817_1818delTT).
Protein change: p.Leu606fs; shifts the reading frame from leucine 606.
Molecular consequence: frameshift variant.
Genome position (GRCh38, 1-based): chr11:108,252,831-108,252,832, TT deleted. VCF-style (leftmost placement, unchanged base first): chr11-108252830-CTT-C. GRCh37 (hg19) VCF-style: chr11-108123557-CTT-C.
Other names: c.1817_1818del, p.Leu606fs (NM_001351834.2); short protein forms L606fs.
Identifiers: ClinVar variation 1692493 (VCV001692493.1), dbSNP rs2135352900, ClinGen allele CA2573146729.

ClinVar aggregate classification (germline): Likely pathogenic (1 of 4 stars; one submission).

Conditions:
Hereditary cancer-predisposing syndrome. Also called: Hereditary Cancer Syndrome; Hereditary neoplastic syndrome; Neoplastic Syndromes, Hereditary; Tumor predisposition. Identifiers: Orphanet 140162, MedGen C0027672, MeSH D009386, MONDO:0015356.

Submission:

Sema4
Classification: Likely pathogenic for Hereditary cancer-predisposing syndrome. Last evaluated: 2021-08-03. Review status: criteria provided, single submitter. Criteria: Sema4 Curation Guidelines. Collection method: curation. Allele origin: germline.
Comment: To the best of our knowledge, the ATM c.1817_1818delTT (p.L606RfsX15) variant has not been reported in individuals with ATM-related disease. This variant causes a frameshift at amino acid 606 that results in premature termination 15 amino acids downstream. This variant is predicted to cause loss of normal protein function either through protein truncation or nonsense-mediated mRNA decay. Loss of function variants in ATM are known to be pathogenic (PMID: 31050087). This variant is not reported in the population database Genome Aggregation Database (PMID: 32461654), nor has it been reported in ClinVar. Based on the current evidence available, this variant is interpreted as likely pathogenic.

Literature cited by the submitters: PubMed 31050087.